The following is an entry in ClinVar:

ClinVar aggregate classification (germline): Uncertain significance (1 of 4 stars; one submission).

Conditions:
Pyridoxine-dependent epilepsy (EPEO4). Also called: Pyridoxine-Dependent Seizures; Pyridoxine-Dependent Epilepsy - ALDH7A1; PYRIDOXINE DEPENDENCY WITH SEIZURES; EPILEPSY, EARLY-ONSET, 4, VITAMIN B6-DEPENDENT. Identifiers: Orphanet 3006, MedGen C1849508, MONDO:0009945, OMIM 266100. Disease mechanism: loss of function.

Allele frequency attached by ClinVar (database versions not stated): TOPMed below 0.00001; gnomAD 0.00001.
gnomAD v4.1: 2 of 1,613,916 alleles (0.00012%); highest among the groups gnomAD compares: African/African-American, 0.0027%; no homozygotes.

Submission:

Labcorp Genetics (formerly Invitae), Labcorp
Classification: Uncertain significance for Pyridoxine-dependent epilepsy. Last evaluated: 2024-07-01. Review status: criteria provided, single submitter. Criteria: Invitae Variant Classification Sherloc (09022015). Collection method: clinical testing. Allele origin: germline.
Comment: This sequence change replaces asparagine, which is neutral and polar, with serine, which is neutral and polar, at codon 241 of the ALDH7A1 protein (p.Asn241Ser). This variant is not present in population databases (gnomAD no frequency). This variant has not been reported in the literature in individuals affected with ALDH7A1-related conditions. ClinVar contains an entry for this variant (Variation ID: 1022048). Advanced modeling of protein sequence and biophysical properties (such as structural, functional, and spatial information, amino acid conservation, physicochemical variation, residue mobility, and thermodynamic stability) performed at Invitae indicates that this missense variant is expected to disrupt ALDH7A1 protein function with a positive predictive value of 95%. In summary, the available evidence is currently insufficient to determine the role of this variant in disease. Therefore, it has been classified as a Variant of Uncertain Significance.

NM_001182.5(ALDH7A1):c.722A>G (p.Asn241Ser)

Gene: ALDH7A1 (aldehyde dehydrogenase 7 family member A1; minus strand). Cytogenetic location: 5q23.2.
Variant type: single nucleotide variant.
Coding change: c.722A>G on transcript NM_001182.5 (MANE Select); coding-DNA position 722, A replaced by G.
Protein change: p.Asn241Ser; replaces asparagine 241 with serine.
Molecular consequence: missense variant.
Genome position (GRCh38, 1-based): chr5:126,570,833, T>C on the plus strand (A>G on the coding strand, the complement: ALDH7A1 is on the minus strand). VCF-style: chr5-126570833-T-C. GRCh37 (hg19) VCF-style: chr5-125906525-T-C.
Other names: c.638A>G, p.Asn213Ser (NM_001201377.2); c.722A>G, p.Asn241Ser (NM_001202404.2); short protein forms N213S, N241S.
Identifiers: ClinVar variation 1022048 (VCV001022048.8), dbSNP rs1428539981, ClinGen allele CA360730222.
Genomic context (GRCh38, chr5:126,570,833, plus strand): 5'-GTAACCTACCCAATATCTGCTCCACCACAAGTCAAGGAACAAATTGCACCAGGCAGCTTG[T>C]TGTCCTCCAGAACCTTGGCTATTATCCTAGAAAGGAAAAAGCAATTACTGAGGCAATAAT-3'
Protein context (NP_001173.2, residues 231-251): TKIIAKVLED[Asn241Ser]KLPGAICSLT